The following is an entry in ClinVar:

NM_004006.3(DMD):c.9992A>G (p.His3331Arg)

Gene: DMD (dystrophin; minus strand). Cytogenetic location: Xp21.2.
Variant type: single nucleotide variant.
Coding change: c.9992A>G on transcript NM_004006.3 (MANE Select); coding-DNA position 9992, A replaced by G.
Protein change: p.His3331Arg; replaces histidine 3331 with arginine.
Molecular consequence: missense variant.
Genome position (GRCh38, 1-based): chrX:31,180,464, T>C on the plus strand (A>G on the coding strand, the complement: DMD is on the minus strand). VCF-style: chrX-31180464-T-C. GRCh37 (hg19) VCF-style: chrX-31198581-T-C.
Other names: c.9968A>G, p.His3323Arg (NM_000109.4); c.9980A>G, p.His3327Arg (NM_004009.3); c.9623A>G, p.His3208Arg (NM_004010.3); c.5969A>G, p.His1990Arg (NM_004011.4); c.5960A>G, p.His1987Arg (NM_004012.4); c.2612A>G, p.His871Arg (NM_004013.3, NM_004020.4, NM_004021.3 and 2 more transcripts); c.1805A>G, p.His602Arg (NM_004014.3); c.788A>G, p.His263Arg (NM_004015.3, NM_004016.3, NM_004017.3 and 2 more transcripts); short protein forms H1987R, H1990R, H263R, H3208R, H3323R, H3327R, H3331R, H602R.
Identifiers: ClinVar variation 2414664 (VCV002414664.8), dbSNP rs993607011, ClinGen allele CA328405608.
Genomic context (GRCh38, chrX:31,180,464, plus strand): 5'-TTATGGCCTTTTGCAACTCGACCAGAAAAAAAGCAGCTTTGGCAGATGTCATAATTAAAG[T>C]GCTTTAGACTCCTGTACCTGATAAAGAGCAAAAACAAACACGTATGTATTTCTTCGAATC-3'
Protein context (NP_003997.2, residues 3321-3341): IIGFRYRSLK[His3331Arg]FNYDICQSCF

ClinVar aggregate classification (germline): Uncertain significance. Review status: criteria provided, multiple submitters, no conflicts (2 of 4 stars). 4 submissions from 4 submitters: Uncertain significance (4). Last evaluated 2025-11-22.

Conditions:
Cardiovascular phenotype. Identifiers: MedGen CN230736.
Duchenne muscular dystrophy (DMD). Also called: Duchenne Muscular Dystrophy (DMD); MUSCULAR DYSTROPHY, PSEUDOHYPERTROPHIC PROGRESSIVE, DUCHENNE TYPE. Identifiers: Orphanet 98896, MedGen C0013264, MONDO:0010679, OMIM 310200.

Allele frequency attached by ClinVar (database versions not stated): gnomAD 0.00002; gnomAD exomes 0.00002; TOPMed 0.00002.
gnomAD v4.1: 26 of 1,193,784 alleles (0.0022%); highest among the groups gnomAD compares: Non-Finnish European, 0.003%; no homozygotes.

Submissions (4):

Labcorp Genetics (formerly Invitae), Labcorp
Classification: Uncertain significance for Duchenne muscular dystrophy. Last evaluated: 2025-11-22. Review status: criteria provided, single submitter. Criteria: Invitae Variant Classification Sherloc (09022015). Collection method: clinical testing. Allele origin: germline.
Comment: This sequence change replaces histidine, which is basic and polar, with arginine, which is basic and polar, at codon 3331 of the DMD protein (p.His3331Arg). This variant is present in population databases (no rsID available, gnomAD 0.009%). This variant has not been reported in the literature in individuals affected with DMD-related conditions. ClinVar contains an entry for this variant (Variation ID: 2414664). Invitae Evidence Modeling of protein sequence and biophysical properties (such as structural, functional, and spatial information, amino acid conservation, physicochemical variation, residue mobility, and thermodynamic stability) indicates that this missense variant is not expected to disrupt DMD protein function with a negative predictive value of 95%. In summary, the available evidence is currently insufficient to determine the role of this variant in disease. Therefore, it has been classified as a Variant of Uncertain Significance.

Ambry Genetics
Classification: Uncertain significance for Cardiovascular phenotype. Last evaluated: 2025-05-13. Review status: criteria provided, single submitter. Criteria: Ambry Variant Classification Scheme 2023. Collection method: clinical testing. Allele origin: germline.
Comment: The p.H3331R variant (also known as c.9992A>G), located in coding exon 69 of the DMD gene, results from an A to G substitution at nucleotide position 9992. The histidine at codon 3331 is replaced by arginine, an amino acid with highly similar properties. This amino acid position is highly conserved in available vertebrate species. In addition, this alteration is predicted to be deleterious by in silico analysis. Based on data from gnomAD, the G allele has an overall frequency of 0.0015% (3/205006) total alleles studied, with 1 hemizygote(s) observed. The highest observed frequency was 0.0032% (3/92503) of European (non-Finnish) alleles. Based on the available evidence, the clinical significance of this variant remains unclear.

Athena Diagnostics
Classification: Uncertain significance. Last evaluated: 2024-01-26. Review status: criteria provided, single submitter. Criteria: Athena Diagnostics Criteria. Collection method: clinical testing. Allele origin: unknown.
Comment: Available data are insufficient to determine the clinical significance of the variant at this time. The frequency of this variant in the general population is uninformative in assessment of its pathogenicity. Computational tools disagree on the variant's effect on normal protein function. According to published research, less than 2% of dystrophin-related disease is due to missense mutation (Flanigan, et al. 2009. Hum Mutat 30: 1657-66. PMID: 19937601). The variant is located in a region that is considered important for protein function and/or structure.

Blueprint Genetics
Classification: Uncertain significance. Last evaluated: 2022-04-20. Review status: criteria provided, single submitter. Criteria: ACMG Guidelines, 2015. Collection method: clinical testing. Allele origin: germline.

Literature cited by the submitters: PubMed 39588385 (cited by Ambry Genetics).